The following is an entry in ClinVar:

NC_000001.11:g.103611243_103613322del

Variant type: Deletion.
Genome position: GRCh38: chr1:103,611,243-103,613,322. GRCh37 (hg19): chr1:104,153,865-104,155,944.
Identifiers: ClinVar variation 156749 (VCV000156749.3), ClinGen allele CA211959.

ClinVar aggregate classification (germline): not provided (0 of 4 stars; one submission).

Conditions:
Small for gestational age. Also called: Low birth weight. Identifiers: MedGen C0235991, HP:0001518.

Submission:

Institute of Molecular and Cell Biology, University of Tartu
No classification provided. Condition: Small for gestational age. Review status: no classification provided. Collection method: case-control. Allele origin: unknown. Affected: yes. Study: Kasak2014.
Comment: The study aimed to determine the contribution of copy number variants in the genetic etiology of normal and complicated pregnancies. The samples represented (i) maternal blood DNA drawn from healthy pregnant women during 1st or 2nd trimester and (ii) maternal and paternal blood DNA drawn at term pregnancy cases representing normal and complicated gestations (severe preeclampsia, PE; gestational diabetes, GD; small-for-gestational age newborn, SGA; large-for-gestational age newborn, LGA). We performed CNV calling based on genome-wide genotyping dataset (Illumina HumanOmniExpress-24-v1 BeadChip) by applying three algorithms, QuantiSNP, GADA (Genome Alteration Detection Algorithm) and CNstream in parallel. The acquired CNV calls were merged with HD-CNV (Hotspot Detector for Copy Number Variants) program and only the CNVs predicted by at least two programs, were considered in subsequent analysis.

Literature cited by the submitters: PubMed 25666259.